The following is an entry in ClinVar:

NM_005228.5(EGFR):c.1323C>A (p.Val441=)

Gene: EGFR (epidermal growth factor receptor; plus strand). Cytogenetic location: 7p11.2.
Variant type: single nucleotide variant.
Coding change: c.1323C>A on transcript NM_005228.5 (MANE Select); coding-DNA position 1323, C replaced by A.
Protein change: p.Val441=; no amino-acid change (valine 441 retained).
Molecular consequence: synonymous variant.
Genome position (GRCh38, 1-based): chr7:55,160,163, C>A. VCF-style: chr7-55160163-C-A. GRCh37 (hg19) VCF-style: chr7-55227856-C-A.
Other names: c.1188C>A, p.Val396= (NM_001346897.2, NM_001346899.2); c.1323C>A, p.Val441= (NM_001346898.2, NM_201282.2, NM_201284.2); c.1164C>A, p.Val388= (NM_001346900.2); c.522C>A, p.Val174= (NM_001346941.2); c.1323C>A (NM_005228.3).
Identifiers: ClinVar variation 1566316 (VCV001566316.9), dbSNP rs1785623547, ClinGen allele CA454969979.
Genomic context (GRCh38, chr7:55,160,163, plus strand): 5'-TTTTTCACCACATGATTTTTCTTCTCTCCAATGTAGTGGTCAGTTTTCTCTTGCAGTCGT[C>A]AGCCTGAACATAACATCCTTGGGATTACGCTCCCTCAAGGAGATAAGTGATGGAGATGTG-3'
Protein context (NP_005219.2, residues 431-451): KQHGQFSLAV[Val441=]SLNITSLGLR

ClinVar aggregate classification (germline): Conflicting classifications of pathogenicity. Review status: criteria provided, conflicting classifications (1 of 4 stars). 2 submissions from 2 submitters: Uncertain significance (1); Likely benign (1). Last evaluated 2025-11-10.

Conditions:
Hereditary cancer-predisposing syndrome. Also called: Tumor predisposition; Hereditary Cancer Syndrome; Hereditary neoplastic syndrome; Neoplastic Syndromes, Hereditary. Identifiers: Orphanet 140162, MedGen C0027672, MeSH D009386, MONDO:0015356.
EGFR-related lung cancer (EGFR). Identifiers: MedGen CN130014.

Allele frequency attached by ClinVar (database versions not stated): TOPMed below 0.00001.

Submissions (2):

Labcorp Genetics (formerly Invitae), Labcorp
Classification: Likely benign for EGFR-related lung cancer. Last evaluated: 2025-11-10. Review status: criteria provided, single submitter. Criteria: Invitae Variant Classification Sherloc (09022015). Collection method: clinical testing. Allele origin: germline.

Ambry Genetics
Classification: Uncertain significance for Hereditary cancer-predisposing syndrome. Last evaluated: 2025-05-06. Review status: criteria provided, single submitter. Criteria: Ambry Variant Classification Scheme 2023. Collection method: clinical testing. Allele origin: germline.
Comment: The c.1323C>A variant (also known as p.V441V), located in coding exon 12 of the EGFR gene, results from a C to A substitution at nucleotide position 1323. This nucleotide substitution does not change the amino acid at codon 441. This nucleotide position is not well conserved in available vertebrate species. In silico splice site analysis for this alteration is inconclusive. Based on the available evidence, the clinical significance of this variant remains unclear.